The following is an entry in ClinVar:

NM_001040108.2(MLH3):c.4162C>T (p.Gln1388Ter)

Gene: MLH3 (mutL homolog 3; minus strand). Cytogenetic location: 14q24.3.
Variant type: single nucleotide variant.
Coding change: c.4162C>T on transcript NM_001040108.2 (MANE Select); coding-DNA position 4162, C replaced by T.
Protein change: p.Gln1388Ter; replaces glutamine 1388 with a stop codon.
Molecular consequence: nonsense.
Genome position (GRCh38, 1-based): chr14:75,018,909, G>A on the plus strand (C>T on the coding strand, the complement: MLH3 is on the minus strand). VCF-style: chr14-75018909-G-A. GRCh37 (hg19) VCF-style: chr14-75485612-G-A.
Other names: c.4090C>T, p.Gln1364Ter (NM_014381.3); short protein forms Q1364*, Q1388*.
Identifiers: ClinVar variation 5024637 (VCV005024637.1).

ClinVar aggregate classification (germline): Pathogenic (1 of 4 stars; one submission).

Submission:

Ambry Genetics
Classification: Pathogenic. Last evaluated: 2026-08-27. Review status: criteria provided, single submitter. Criteria: Ambry Variant Classification Scheme 2023. Collection method: clinical testing. Allele origin: germline.
Comment: The p.Q1388* pathogenic mutation (also known as c.4162C>T), located in coding exon 11 of the MLH3 gene, results from a C to T substitution at nucleotide position 4162. This changes the amino acid from a glutamine to a stop codon within coding exon 11. This variant is considered to be rare based on population cohorts in the Genome Aggregation Database (gnomAD). This alteration is expected to result in loss of function by premature protein truncation or nonsense-mediated mRNA decay. As such, this alteration is interpreted as a disease-causing mutation.